The following is an entry in ClinVar:

NM_001244008.2(KIF1A):c.79A>G (p.Ile27Val)

Gene: KIF1A (kinesin family member 1A; minus strand). Cytogenetic location: 2q37.3.
Variant type: single nucleotide variant.
Coding change: c.79A>G on transcript NM_001244008.2 (MANE Select); coding-DNA position 79, A replaced by G.
Protein change: p.Ile27Val; replaces isoleucine 27 with valine.
Molecular consequence: missense variant.
Genome position (GRCh38, 1-based): chr2:240,797,674, T>C on the plus strand (A>G on the coding strand, the complement: KIF1A is on the minus strand). VCF-style: chr2-240797674-T-C. GRCh37 (hg19) VCF-style: chr2-241737091-T-C.
Other names: c.79A>G, p.Ile27Val (NM_001320705.2, NM_001330289.2, NM_001330290.2 and 21 more transcripts); c.79A>G (NM_004321.5); short protein forms I27V.
Identifiers: ClinVar variation 1978199 (VCV001978199.7), dbSNP rs2056552812, ClinGen allele CA351315653.

ClinVar aggregate classification (germline): Conflicting classifications of pathogenicity. Review status: criteria provided, conflicting classifications (1 of 4 stars). 3 submissions from 3 submitters: Likely pathogenic (2); Uncertain significance (1). Last evaluated 2025-03-03.

Conditions:
Inborn genetic diseases. Identifiers: MedGen C0950123, MeSH D030342.
Hereditary spastic paraplegia 30. Identifiers: Orphanet 101010, MedGen C5235139, MONDO:0012476.
Neuropathy, hereditary sensory, type 2C. Also called: Hereditary sensory and autonomic neuropathy type IIC; KIF1A-Related HSAN2 (HSAN2C). Identifiers: Orphanet 970, MedGen C3280168, MONDO:0013634, OMIM 614213.
Intellectual disability, autosomal dominant 9 (NESCAVS). Also called: NESCAV SYNDROME; KIF1A-Related Neurodevelopmental Disorder. Identifiers: Orphanet 662367, MedGen C5393830, MONDO:0013656, OMIM 614255.

Allele frequency attached by ClinVar (database versions not stated): TOPMed below 0.00001.

Submissions (3):

Ambry Genetics
Classification: Uncertain significance for Inborn genetic diseases. Last evaluated: 2025-03-03. Review status: criteria provided, single submitter. Criteria: Ambry Variant Classification Scheme 2023. Collection method: clinical testing. Allele origin: germline.
Comment: The c.79A>G (p.I27V) alteration is located in exon 2 (coding exon 1) of the KIF1A gene. This alteration results from an A to G substitution at nucleotide position 79, causing the isoleucine (I) at amino acid position 27 to be replaced by a valine (V). This variant was not reported in population-based cohorts in the Genome Aggregation Database (gnomAD). Other variant(s) at the same codon, c.80T>C (p.I27T), have been identified in individual(s) with features consistent with spastic paraplegia type 30 and segregated with disease in at least one family (Iqbal, 2017). This amino acid position is highly conserved in available vertebrate species. This missense alteration is located in a region that has a low rate of benign missense variation (Lek, 2016; Firth, 2009). This alteration is predicted to be tolerated by in silico analysis. Based on insufficient or conflicting evidence, the clinical significance of this alteration remains unclear.

Genomic Medicine Center of Excellence, King Faisal Specialist Hospital and Research Centre
Classification: Likely pathogenic for Intellectual disability, autosomal dominant 9. Last evaluated: 2024-09-22. Review status: criteria provided, single submitter. Criteria: ACMG Guidelines, 2015. Collection method: clinical testing. Allele origin: germline.

Labcorp Genetics (formerly Invitae), Labcorp
Classification: Likely pathogenic for Hereditary spastic paraplegia 30; Neuropathy, hereditary sensory, type 2C; Intellectual disability, autosomal dominant 9. Last evaluated: 2022-12-23. Review status: criteria provided, single submitter. Criteria: Invitae Variant Classification Sherloc (09022015). Collection method: clinical testing. Allele origin: germline.
Comment: Advanced modeling of protein sequence and biophysical properties (such as structural, functional, and spatial information, amino acid conservation, physicochemical variation, residue mobility, and thermodynamic stability) performed at Invitae indicates that this missense variant is expected to disrupt KIF1A protein function. In summary, the currently available evidence indicates that the variant is pathogenic, but additional data are needed to prove that conclusively. Therefore, this variant has been classified as Likely Pathogenic. This variant disrupts the p.Ile27 amino acid residue in KIF1A. Other variant(s) that disrupt this residue have been determined to be pathogenic (PMID: 28362824; Invitae). This suggests that this residue is clinically significant, and that variants that disrupt this residue are likely to be disease-causing. This variant has not been reported in the literature in individuals affected with KIF1A-related conditions. This variant is not present in population databases (gnomAD no frequency). This sequence change replaces isoleucine, which is neutral and non-polar, with valine, which is neutral and non-polar, at codon 27 of the KIF1A protein (p.Ile27Val).

Literature cited by the submitters: PubMed 28362824 (cited by Ambry Genetics and Labcorp Genetics (formerly Invitae), Labcorp).